The following is an entry in ClinVar:

ClinVar aggregate classification (germline): Uncertain significance (1 of 4 stars; one submission).

Conditions:
Inborn genetic diseases. Identifiers: MedGen C0950123, MeSH D030342.

gnomAD v4.1: 2 of 1,613,678 alleles (0.00012%); highest among the groups gnomAD compares: African/African-American, 0.0027%; no homozygotes.

Submission:

Ambry Genetics
Classification: Uncertain significance for Inborn genetic diseases. Last evaluated: 2025-08-05. Review status: criteria provided, single submitter. Criteria: Ambry Variant Classification Scheme 2023. Collection method: clinical testing. Allele origin: germline.
Comment: The p.D826Y variant (also known as c.2476G>T), located in coding exon 8 of the MECOM gene, results from a G to T substitution at nucleotide position 2476. The aspartic acid at codon 826 is replaced by tyrosine, an amino acid with highly dissimilar properties. This amino acid position is conserved. In addition, the in silico prediction for this alteration is inconclusive. Based on the available evidence, the clinical significance of this variant remains unclear.

NM_004991.4(MECOM):c.2476G>T (p.Asp826Tyr)

Gene: MECOM (MDS1 and EVI1 complex locus; minus strand). Cytogenetic location: 3q26.2.
Variant type: single nucleotide variant.
Coding change: c.2476G>T on transcript NM_004991.4 (MANE Select); coding-DNA position 2476, G replaced by T.
Protein change: p.Asp826Tyr; replaces aspartic acid 826 with tyrosine.
Molecular consequence: missense variant.
Genome position (GRCh38, 1-based): chr3:169,115,396, C>A on the plus strand (G>T on the coding strand, the complement: MECOM is on the minus strand). VCF-style: chr3-169115396-C-A. GRCh37 (hg19) VCF-style: chr3-168833184-C-A.
Other names: c.1912G>T, p.Asp638Tyr (NM_001105078.4, NM_001164000.2, NM_001205194.2 and 4 more transcripts); c.1915G>T, p.Asp639Tyr (NM_001163999.2, NM_001366467.2, NM_001366468.2 and 1 more transcripts); c.2476G>T, p.Asp826Tyr (NM_001366466.2); c.1504G>T, p.Asp502Tyr (NM_001366473.2); c.940G>T, p.Asp314Tyr (NM_001366474.2); c.2107G>T, p.Asp703Tyr (NM_001105077.4); short protein forms D314Y, D639Y, D826Y, D502Y, D638Y, D703Y.
Identifiers: ClinVar variation 4105832 (VCV004105832.1).